The following is an entry in ClinVar:

NM_020297.4(ABCC9):c.3706A>G (p.Ile1236Val)

Genes: ABCC9 (ATP binding cassette subfamily C member 9; minus strand), KCNJ8-AS1 (KCNJ8 antisense RNA 1; plus strand). Cytogenetic location: 12p12.1.
Variant type: single nucleotide variant.
Coding change: c.3706A>G on transcript NM_020297.4 (MANE Select); coding-DNA position 3706, A replaced by G.
Protein change: p.Ile1236Val; replaces isoleucine 1236 with valine.
Molecular consequence: missense variant.
Genome position (GRCh38, 1-based): chr12:21,818,215, T>C on the plus strand (A>G on the coding strand, the complement: ABCC9 is on the minus strand). VCF-style: chr12-21818215-T-C. GRCh37 (hg19) VCF-style: chr12-21971149-T-C.
Other names: c.3706A>G, p.Ile1236Val (NM_001377273.1, NM_005691.4); c.2839A>G, p.Ile947Val (NM_001377274.1); short protein forms I1236V, I947V.
Identifiers: ClinVar variation 4861656 (VCV004861656.1).

ClinVar aggregate classification (germline): Uncertain significance (1 of 4 stars; one submission).

Conditions:
Cardiovascular phenotype. Identifiers: MedGen CN230736.

gnomAD v4.1: 3 of 1,613,948 alleles (0.00019%); highest among the groups gnomAD compares: Non-Finnish European, 0.00025%; no homozygotes.

Submission:

Ambry Genetics
Classification: Uncertain significance for Cardiovascular phenotype. Last evaluated: 2026-06-09. Review status: criteria provided, single submitter. Criteria: Ambry Variant Classification Scheme 2023. Collection method: clinical testing. Allele origin: germline.
Comment: The p.I1236V variant (also known as c.3706A>G), located in coding exon 30 of the ABCC9 gene, results from an A to G substitution at nucleotide position 3706. The isoleucine at codon 1236 is replaced by valine, an amino acid with highly similar properties. This amino acid position is conserved. In addition, this alteration is predicted to be tolerated by in silico analysis. Based on the available evidence, the clinical significance of this variant remains unclear.